The following is an entry in ClinVar:

NM_003384.3(VRK1):c.576+4G>C

Gene: VRK1 (VRK serine/threonine kinase 1; plus strand). Cytogenetic location: 14q32.2.
Variant type: single nucleotide variant.
Coding change: c.576+4G>C on transcript NM_003384.3 (MANE Select); 4 bases into the intron after coding-DNA position 576, G replaced by C.
Molecular consequence: intron variant.
Genome position (GRCh38, 1-based): chr14:96,853,170, G>C. VCF-style: chr14-96853170-G-C. GRCh37 (hg19) VCF-style: chr14-97319507-G-C.
Identifiers: ClinVar variation 681847 (VCV000681847.1), dbSNP rs775057674, ClinGen allele CA7339014.

ClinVar aggregate classification (germline): Likely benign (1 of 4 stars; one submission).

Allele frequency attached by ClinVar (database versions not stated): gnomAD exomes below 0.00001; ExAC 0.00001.
gnomAD v4.1: 1 of 1,611,494 alleles (0.000062%); highest among the groups gnomAD compares: Non-Finnish European, 0.000085%; no homozygotes.

Submission:

GeneDx
Classification: Likely benign. Last evaluated: 2018-04-13. Review status: criteria provided, single submitter. Criteria: GeneDx Variant Classification (06012015). Collection method: clinical testing. Allele origin: germline. Affected: yes.
Comment: This variant is considered likely benign or benign based on one or more of the following criteria: it is a conservative change, it occurs at a poorly conserved position in the protein, it is predicted to be benign by multiple in silico algorithms, and/or has population frequency not consistent with disease.